The following is an entry in ClinVar:

NM_030665.4(RAI1):c.5500G>A (p.Gly1834Ser)

Gene: RAI1 (retinoic acid induced 1; plus strand). Cytogenetic location: 17p11.2.
Variant type: single nucleotide variant.
Coding change: c.5500G>A on transcript NM_030665.4 (MANE Select); coding-DNA position 5500, G replaced by A.
Protein change: p.Gly1834Ser; replaces glycine 1834 with serine.
Molecular consequence: missense variant.
Genome position (GRCh38, 1-based): chr17:17,798,448, G>A. VCF-style: chr17-17798448-G-A. GRCh37 (hg19) VCF-style: chr17-17701762-G-A.
Other names: c.5500G>A (NM_030665.3); short protein forms G1834S.
Identifiers: ClinVar variation 2184852 (VCV002184852.6), dbSNP rs769844428, ClinGen allele CA8419175.

ClinVar aggregate classification (germline): Conflicting classifications of pathogenicity. Review status: criteria provided, conflicting classifications (1 of 4 stars). 3 submissions from 3 submitters: Uncertain significance (1); Likely benign (1). 1 of the submissions does not count toward it. Last evaluated 2025-03-17.

Conditions:
RAI1-related disorder. Also called: RAI1-related condition.

Allele frequency attached by ClinVar (database versions not stated): gnomAD exomes below 0.00001; gnomAD 0.00001; TOPMed 0.00001; ExAC 0.00002.
gnomAD v4.1: 8 of 1,608,642 alleles (0.0005%); highest among the groups gnomAD compares: African/African-American, 0.0053%; no homozygotes.

Submissions (3):

Women's Health and Genetics/Laboratory Corporation of America, LabCorp
Classification: Uncertain significance. Last evaluated: 2025-03-17. Review status: criteria provided, single submitter. Criteria: LabCorp Variant Classification Summary - May 2015. Collection method: clinical testing. Allele origin: germline.
Comment: Variant summary: RAI1 c.5500G>A (p.Gly1834Ser) results in a non-conservative amino acid change in the encoded protein sequence. Five of five in-silico tools predict a damaging effect of the variant on protein function. The variant allele was found at a frequency of 8.4e-06 in 238944 control chromosomes. The available data on variant occurrences in the general population are insufficient to allow any conclusion about variant significance. To our knowledge, no occurrence of c.5500G>A in individuals affected with Smith-Magenis Syndrome and no experimental evidence demonstrating its impact on protein function have been reported. ClinVar contains an entry for this variant (Variation ID: 2184852). Based on the evidence outlined above, the variant was classified as uncertain significance.

Labcorp Genetics (formerly Invitae), Labcorp
Classification: Likely benign. Last evaluated: 2025-01-07. Review status: criteria provided, single submitter. Criteria: Invitae Variant Classification Sherloc (09022015). Collection method: clinical testing. Allele origin: germline.

PreventionGenetics, part of Exact Sciences
Classification: Uncertain significance for RAI1-related condition. Last evaluated: 2024-05-30. Review status: no assertion criteria provided. Collection method: clinical testing. Allele origin: germline. Not counted in ClinVar's aggregate classification.
Comment: The RAI1 c.5500G>A variant is predicted to result in the amino acid substitution p.Gly1834Ser. To our knowledge, this variant has not been reported in the literature. This variant is reported in 0.0083% of alleles in individuals of African descent in gnomAD. At this time, the clinical significance of this variant is uncertain due to the absence of conclusive functional and genetic evidence.